The following is an entry in ClinVar:

NM_000179.3(MSH6):c.3937A>C (p.Ile1313Leu)

Gene: MSH6 (mutS homolog 6; plus strand). Cytogenetic location: 2p16.3.
Variant type: single nucleotide variant.
Coding change: c.3937A>C on transcript NM_000179.3 (MANE Select); coding-DNA position 3937, A replaced by C.
Protein change: p.Ile1313Leu; replaces isoleucine 1313 with leucine.
Molecular consequence: missense variant. On other transcripts: non-coding transcript variant (5), intron variant (1).
Genome position (GRCh38, 1-based): chr2:47,806,587, A>C. VCF-style: chr2-47806587-A-C. GRCh37 (hg19) VCF-style: chr2-48033726-A-C.
Other names: c.3547A>C, p.Ile1183Leu (NM_001281492.2); c.3031A>C, p.Ile1011Leu (NM_001281494.2, NM_001281493.2, NM_001406811.1 and 6 more transcripts); c.4033A>C, p.Ile1345Leu (NM_001406795.1); c.3937A>C, p.Ile1313Leu (NM_001406796.1, NM_001406808.1, NM_001406809.1); c.3640A>C, p.Ile1214Leu (NM_001406797.1, NM_001406801.1, NM_001406805.1 and 10 more transcripts); c.3412A>C, p.Ile1138Leu (NM_001406799.1, NM_001406806.1, NM_001406807.1); c.3859A>C, p.Ile1287Leu (NM_001406804.1); c.3924A>C, p.Leu1308Phe (NM_001406800.1); and 9 more; short protein forms I1138L, I1183L, I1257L, I1313L, I791L, L1308F, I1255L, I1315L.
Identifiers: ClinVar variation 3296370 (VCV003296370.1).

ClinVar aggregate classification (germline): Uncertain significance (1 of 4 stars; one submission).

Conditions:
Hereditary cancer-predisposing syndrome. Also called: Tumor predisposition; Hereditary Cancer Syndrome; Hereditary neoplastic syndrome; Neoplastic Syndromes, Hereditary. Identifiers: Orphanet 140162, MedGen C0027672, MeSH D009386, MONDO:0015356.

Submission:

Ambry Genetics
Classification: Uncertain significance for Hereditary cancer-predisposing syndrome. Last evaluated: 2024-04-05. Review status: criteria provided, single submitter. Criteria: Ambry Variant Classification Scheme 2023. Collection method: clinical testing. Allele origin: germline.
Comment: The p.I1313L variant (also known as c.3937A>C), located in coding exon 9 of the MSH6 gene, results from an A to C substitution at nucleotide position 3937. The isoleucine at codon 1313 is replaced by leucine, an amino acid with highly similar properties. This amino acid position is conserved. In addition, the in silico prediction for this alteration is inconclusive. Based on the available evidence, the clinical significance of this variant remains unclear.